The following is an entry in ClinVar:

NM_014000.3(VCL):c.1573G>A (p.Glu525Lys)

Gene: VCL (vinculin; plus strand). Cytogenetic location: 10q22.2.
Variant type: single nucleotide variant.
Coding change: c.1573G>A on transcript NM_014000.3 (MANE Select); coding-DNA position 1573, G replaced by A.
Protein change: p.Glu525Lys; replaces glutamic acid 525 with lysine.
Molecular consequence: missense variant.
Genome position (GRCh38, 1-based): chr10:74,095,685, G>A. VCF-style: chr10-74095685-G-A. GRCh37 (hg19) VCF-style: chr10-75855443-G-A.
Other names: c.1573G>A, p.Glu525Lys (NM_003373.4); short protein forms E525K.
Identifiers: ClinVar variation 3636123 (VCV003636123.2).

ClinVar aggregate classification (germline): Uncertain significance (1 of 4 stars; one submission).

Conditions:
Dilated cardiomyopathy 1W (CMD1W). Identifiers: Orphanet 154, MedGen C1969639, MONDO:0012667, OMIM 611407.

gnomAD v4.1: 4 of 1,613,988 alleles (0.00025%); highest among the groups gnomAD compares: Non-Finnish European, 0.00034%; no homozygotes.

Submission:

Labcorp Genetics (formerly Invitae), Labcorp
Classification: Uncertain significance for Dilated cardiomyopathy 1W. Last evaluated: 2024-04-03. Review status: criteria provided, single submitter. Criteria: Invitae Variant Classification Sherloc (09022015). Collection method: clinical testing. Allele origin: germline.
Comment: This sequence change replaces glutamic acid, which is acidic and polar, with lysine, which is basic and polar, at codon 525 of the VCL protein (p.Glu525Lys). This variant is not present in population databases (gnomAD no frequency). This variant has not been reported in the literature in individuals affected with VCL-related conditions. An algorithm developed to predict the effect of missense changes on protein structure and function (PolyPhen-2) suggests that this variant is likely to be disruptive. In summary, the available evidence is currently insufficient to determine the role of this variant in disease. Therefore, it has been classified as a Variant of Uncertain Significance.